The following is an entry in ClinVar:

NM_005560.6(LAMA5):c.1000G>A (p.Asp334Asn)

Gene: LAMA5 (laminin subunit alpha 5; minus strand). Cytogenetic location: 20q13.33.
Variant type: single nucleotide variant.
Coding change: c.1000G>A on transcript NM_005560.6 (MANE Select); coding-DNA position 1000, G replaced by A.
Protein change: p.Asp334Asn; replaces aspartic acid 334 with asparagine.
Molecular consequence: missense variant.
Genome position (GRCh38, 1-based): chr20:62,346,985, C>T on the plus strand (G>A on the coding strand, the complement: LAMA5 is on the minus strand). VCF-style: chr20-62346985-C-T. GRCh37 (hg19) VCF-style: chr20-60922041-C-T.
Other names: c.1000G>A (NM_005560.3); short protein forms D334N.
Identifiers: ClinVar variation 2176518 (VCV002176518.6), dbSNP rs780538154, ClinGen allele CA9944167.

ClinVar aggregate classification (germline): Uncertain significance. Review status: criteria provided, multiple submitters, no conflicts (2 of 4 stars). 2 submissions from 2 submitters: Uncertain significance (2). Last evaluated 2025-10-29.

Conditions:
Inborn genetic diseases. Identifiers: MedGen C0950123, MeSH D030342.

Allele frequency attached by ClinVar (database versions not stated): ExAC 0.00001; gnomAD 0.00002; gnomAD exomes 0.00002; TOPMed 0.00002.
gnomAD v4.1: 25 of 1,612,328 alleles (0.0016%); highest among the groups gnomAD compares: African/African-American, 0.0027%; no homozygotes.

Submissions (2):

Ambry Genetics
Classification: Uncertain significance for Inborn genetic diseases. Last evaluated: 2025-10-29. Review status: criteria provided, single submitter. Criteria: Ambry Variant Classification Scheme 2023. Collection method: clinical testing. Allele origin: germline.

Labcorp Genetics (formerly Invitae), Labcorp
Classification: Uncertain significance. Last evaluated: 2024-02-24. Review status: criteria provided, single submitter. Criteria: Invitae Variant Classification Sherloc (09022015). Collection method: clinical testing. Allele origin: germline.
Comment: This sequence change replaces aspartic acid, which is acidic and polar, with asparagine, which is neutral and polar, at codon 334 of the LAMA5 protein (p.Asp334Asn). This variant is present in population databases (rs780538154, gnomAD 0.007%). This variant has not been reported in the literature in individuals affected with LAMA5-related conditions. ClinVar contains an entry for this variant (Variation ID: 2176518). An algorithm developed to predict the effect of missense changes on protein structure and function (PolyPhen-2) suggests that this variant is likely to be disruptive. In summary, the available evidence is currently insufficient to determine the role of this variant in disease. Therefore, it has been classified as a Variant of Uncertain Significance.